The following is an entry in ClinVar:

ClinVar aggregate classification (germline): Pathogenic (1 of 4 stars; one submission).

Conditions:
Neurofibromatosis, type 1 (NF1). Also called: Peripheral type neurofibromatosis; NEUROFIBROMATOSIS, TYPE I, SOMATIC; Neurofibromatosis, type I; VON RECKLINGHAUSEN DISEASE. Identifiers: Orphanet 636, MedGen C0027831, MONDO:0018975, OMIM 162200. Disease mechanism: loss of function.

Submission:

Labcorp Genetics (formerly Invitae), Labcorp
Classification: Pathogenic for Neurofibromatosis, type 1. Last evaluated: 2024-04-24. Review status: criteria provided, single submitter. Criteria: Invitae Variant Classification Sherloc (09022015). Collection method: clinical testing. Allele origin: germline.
Comment: This sequence change creates a premature translational stop signal (p.Tyr2161*) in the NF1 gene. It is expected to result in an absent or disrupted protein product. Loss-of-function variants in NF1 are known to be pathogenic (PMID: 10712197, 23913538). This variant is not present in population databases (gnomAD no frequency). This premature translational stop signal has been observed in individual(s) with NF1-related conditions (PMID: 27999334). ClinVar contains an entry for this variant (Variation ID: 2127383). For these reasons, this variant has been classified as Pathogenic.

Literature cited by the submitters: PubMed 10712197; PubMed 23913538; PubMed 27999334.

NM_001042492.3(NF1):c.6546C>A (p.Tyr2182Ter)

Gene: NF1 (neurofibromin 1; plus strand). Cytogenetic location: 17q11.2.
Variant type: single nucleotide variant.
Coding change: c.6546C>A on transcript NM_001042492.3 (MANE Select); coding-DNA position 6546, C replaced by A.
Protein change: p.Tyr2182Ter; replaces tyrosine 2182 with a stop codon.
Molecular consequence: nonsense.
Genome position (GRCh38, 1-based): chr17:31,337,486, C>A. VCF-style: chr17-31337486-C-A. GRCh37 (hg19) VCF-style: chr17-29664504-C-A.
Other names: c.6483C>A, p.Tyr2161Ter (NM_000267.4); short protein forms Y2161*, Y2182*.
Identifiers: ClinVar variation 2127383 (VCV002127383.4), dbSNP rs876659768, ClinGen allele CA399013249.